The following is an entry in ClinVar:

NM_024063.3(AFG2B):c.1269T>C (p.Ser423=)

Gene: AFG2B (AAA ATPase AFG2B; plus strand). Cytogenetic location: 15q21.1.
Variant type: single nucleotide variant.
Coding change: c.1269T>C on transcript NM_024063.3 (MANE Select); coding-DNA position 1269, T replaced by C.
Protein change: p.Ser423=; no amino-acid change (serine 423 retained).
Molecular consequence: synonymous variant. On other transcripts: non-coding transcript variant (5).
Genome position (GRCh38, 1-based): chr15:45,405,499, T>C. VCF-style: chr15-45405499-T-C. GRCh37 (hg19) VCF-style: chr15-45697697-T-C.
Other names: c.1269T>C, p.Ser423= (NM_001323640.2).
Identifiers: ClinVar variation 4534669 (VCV004534669.6).
Genomic context (GRCh38, chr15:45,405,499, plus strand): 5'-TGTTGGTGCCGACCTGACAGCACTCTGTAGGGAGGCTGCCATGCATGCCCTCCTTCATAG[T>C]GAGAAGGTAAGAAGTGTTAATTTATGAACATCTATGTTAATCTATTATTGTAACAGATTA-3'
Protein context (NP_076968.2, residues 413-433): REAAMHALLH[Ser423=]EKNQDNPVID

ClinVar aggregate classification (germline): Likely benign (1 of 4 stars; one submission).

gnomAD v4.1: 43 of 1,612,832 alleles (0.0027%); highest among the groups gnomAD compares: African/African-American, 0.052%; no homozygotes.

Submission:

CeGaT Center for Human Genetics Tuebingen
Classification: Likely benign. Last evaluated: 2025-10-01. Review status: criteria provided, single submitter. Criteria: CeGaT Center For Human Genetics Tuebingen Variant Classification Criteria Version 2. Collection method: clinical testing. Allele origin: germline. Affected: yes. Observed: 1 variant allele.
Comment: AFG2B: BP4, BP7